The following is an entry in ClinVar:

ClinVar aggregate classification (germline): Pathogenic/Likely pathogenic. Review status: criteria provided, multiple submitters, no conflicts (2 of 4 stars). 2 submissions from 2 submitters: Pathogenic (1); Likely pathogenic (1). Last evaluated 2024-06-07.

Conditions:
Glycine encephalopathy. Also called: Nonketotic hyperglycinemia; Non-ketotic hyperglycinemia. Identifiers: Orphanet 407, MedGen C0751748, MONDO:0011612, HP:0008288.
Glycine encephalopathy 2 (GCE2). Identifiers: MedGen C5830559, MONDO:0958192, OMIM 620398.

Submissions (2):

Fulgent Genetics
Classification: Likely pathogenic for Glycine encephalopathy 2. Last evaluated: 2024-06-07. Review status: criteria provided, single submitter. Criteria: ACMG Guidelines, 2015. Collection method: clinical testing. Allele origin: germline.

Labcorp Genetics (formerly Invitae), Labcorp
Classification: Pathogenic for Glycine encephalopathy. Last evaluated: 2020-10-19. Review status: criteria provided, single submitter. Criteria: Invitae Variant Classification Sherloc (09022015). Collection method: clinical testing. Allele origin: germline.
Comment: For these reasons, this variant has been classified as Pathogenic. This variant has not been reported in the literature in individuals with AMT-related conditions. This sequence change creates a premature translational stop signal (p.Leu57Glnfs*38) in the AMT gene. It is expected to result in an absent or disrupted protein product. Loss-of-function variants in AMT are known to be pathogenic (PMID: 16450403). This variant is not present in population databases (ExAC no frequency).

Literature cited by the submitters: PubMed 16450403 (cited by Labcorp Genetics (formerly Invitae), Labcorp).

NM_000481.4(AMT):c.168_171del (p.Leu57fs)

Gene: AMT (aminomethyltransferase; minus strand). Cytogenetic location: 3p21.31.
Variant type: Deletion.
Coding change: c.168_171del on transcript NM_000481.4 (MANE Select); coding-DNA positions 168 to 171, 4 bases deleted (TCTG; older notation c.168_171delTCTG).
Protein change: p.Leu57fs; shifts the reading frame from leucine 57.
Molecular consequence: frameshift variant. On other transcripts: non-coding transcript variant (1), intron variant (1).
Genome position (GRCh38, 1-based): chr3:49,422,191-49,422,194, CAGA deleted on the plus strand (TCTG on the coding strand, the reverse complement: AMT is on the minus strand); deleting any 4 consecutive bases within chr3:49,422,191-49,422,195 gives the same sequence; the c. name uses the placement nearest the transcript's 3' end. VCF-style (leftmost placement, unchanged base first): chr3-49422190-GCAGA-G. GRCh37 (hg19) VCF-style: chr3-49459623-GCAGA-G.
Other names: c.168_171del, p.Leu57fs (NM_001164710.2, NM_001164712.2); c.90+167_90+170del (NM_001164711.2); short protein forms L57fs.
Identifiers: ClinVar variation 1072385 (VCV001072385.6), dbSNP rs2107937574, ClinGen allele CA2499216909.